The following is an entry in ClinVar:

NM_000081.4(LYST):c.3647T>C (p.Val1216Ala)

Gene: LYST (lysosomal trafficking regulator; minus strand). Cytogenetic location: 1q42.3.
Variant type: single nucleotide variant.
Coding change: c.3647T>C on transcript NM_000081.4 (MANE Select); coding-DNA position 3647, T replaced by C.
Protein change: p.Val1216Ala; replaces valine 1216 with alanine.
Molecular consequence: missense variant.
Genome position (GRCh38, 1-based): chr1:235,802,973, A>G on the plus strand (T>C on the coding strand, the complement: LYST is on the minus strand). VCF-style: chr1-235802973-A-G. GRCh37 (hg19) VCF-style: chr1-235966273-A-G.
Other names: c.3647T>C, p.Val1216Ala (NM_001301365.1); c.3647T>C (NM_000081.3, NM_000081.2); short protein forms V1216A.
Identifiers: ClinVar variation 1507964 (VCV001507964.6), dbSNP rs138391419, ClinGen allele CA1467025.

ClinVar aggregate classification (germline): Uncertain significance. Review status: criteria provided, multiple submitters, no conflicts (2 of 4 stars). 3 submissions from 3 submitters: Uncertain significance (3). Last evaluated 2024-08-21.

Conditions:
Chédiak-Higashi syndrome (CHS). Also called: Chediak-Higashi Syndrome. Identifiers: Orphanet 167, MedGen C0007965, MONDO:0008963, OMIM 214500.
Inborn genetic diseases. Identifiers: MedGen C0950123, MeSH D030342.

Allele frequency attached by ClinVar (database versions not stated): gnomAD 0.00002; ExAC 0.00006; TOPMed 0.00006; ESP Exome Variant Server 0.00008; gnomAD exomes 0.00012.
gnomAD v4.1: 174 of 1,613,516 alleles (0.011%); highest among the groups gnomAD compares: Non-Finnish European, 0.015%; no homozygotes.

Submissions (3):

Ambry Genetics
Classification: Uncertain significance for Inborn genetic diseases. Last evaluated: 2024-08-21. Review status: criteria provided, single submitter. Criteria: Ambry Variant Classification Scheme 2023. Collection method: clinical testing. Allele origin: germline.

Labcorp Genetics (formerly Invitae), Labcorp
Classification: Uncertain significance for Chédiak-Higashi syndrome. Last evaluated: 2021-11-22. Review status: criteria provided, single submitter. Criteria: Invitae Variant Classification Sherloc (09022015). Collection method: clinical testing. Allele origin: germline.
Comment: This sequence change replaces valine, which is neutral and non-polar, with alanine, which is neutral and non-polar, at codon 1216 of the LYST protein (p.Val1216Ala). This variant is present in population databases (rs138391419, gnomAD 0.01%). This variant has not been reported in the literature in individuals affected with LYST-related conditions. Algorithms developed to predict the effect of missense changes on protein structure and function output the following: SIFT: "Tolerated"; PolyPhen-2: "Benign"; Align-GVGD: "Class C0". The alanine amino acid residue is found in multiple mammalian species, which suggests that this missense change does not adversely affect protein function. In summary, the available evidence is currently insufficient to determine the role of this variant in disease. Therefore, it has been classified as a Variant of Uncertain Significance.

Revvity Omics, Revvity
Classification: Uncertain significance for Chédiak-Higashi syndrome. Last evaluated: 2019-01-14. Review status: criteria provided, single submitter. Criteria: ACMG Guidelines, 2015. Collection method: clinical testing. Allele origin: germline.